The following is an entry in ClinVar:

ClinVar aggregate classification (germline): Uncertain significance. Review status: criteria provided, multiple submitters, no conflicts (2 of 4 stars). 10 submissions from 10 submitters: Uncertain significance (10). Last evaluated 2025-10-29.

Conditions:
PMS2-related disorder. Also called: PMS2-related condition.
Hereditary nonpolyposis colorectal neoplasms. Identifiers: MedGen C0009405, MeSH D003123.
Hereditary cancer-predisposing syndrome. Also called: Hereditary Cancer Syndrome; Tumor predisposition; Hereditary neoplastic syndrome; Neoplastic Syndromes, Hereditary. Identifiers: Orphanet 140162, MedGen C0027672, MeSH D009386, MONDO:0015356.
Lynch syndrome. Identifiers: Orphanet 144, MedGen C4552100, MONDO:0005835. Disease mechanism: loss of function.

Allele frequency attached by ClinVar (database versions not stated): TOPMed below 0.00001; gnomAD 0.00001; gnomAD exomes 0.00001; ExAC 0.00002.

Submissions (10):

Labcorp Genetics (formerly Invitae), Labcorp
Classification: Uncertain significance for Hereditary nonpolyposis colorectal neoplasms. Last evaluated: 2025-10-29. Review status: criteria provided, single submitter. Criteria: Invitae Variant Classification Sherloc (09022015). Collection method: clinical testing. Allele origin: germline.
Comment: This sequence change replaces arginine, which is basic and polar, with cysteine, which is neutral and slightly polar, at codon 151 of the PMS2 protein (p.Arg151Cys). This variant is present in population databases (rs758561884, gnomAD 0.006%). This missense change has been observed in individual(s) with epithelial ovarian cancer (PMID: 34350294, 35264596). ClinVar contains an entry for this variant (Variation ID: 231932). Invitae Evidence Modeling incorporating data from in vitro experimental studies (internal data) indicates that this missense variant is not expected to disrupt PMS2 function with a negative predictive value of 95%. In summary, the available evidence is currently insufficient to determine the role of this variant in disease. Therefore, it has been classified as a Variant of Uncertain Significance.

Hema, HEMA – Genetic and Molecular Diagnostic Laboratory
Classification: Uncertain significance for Lynch syndrome. Last evaluated: 2025-07-22. Review status: criteria provided, single submitter. Criteria: HEMA Variant Classification Assertion Criteria. Collection method: clinical testing. Allele origin: germline.
Comment: It is a transition from guanine to adenine, resulting in the substitution of arginine 151 by cysteine in the PMS2 protein. PM2_Supporting: Absent in the gnomAD v4.1.0 database. PP3_Moderate: Prior probability of pathogenicity score MAPP/PP2 = 0.9373 > 0.81.

Color Diagnostics, LLC DBA Color Health
Classification: Uncertain significance for Hereditary cancer-predisposing syndrome. Last evaluated: 2025-07-11. Review status: criteria provided, single submitter. Criteria: ACMG Guidelines, 2015. Collection method: clinical testing. Allele origin: germline.
Comment: This missense variant replaces arginine with cysteine at codon 151 of the PMS2 protein. Computational prediction is inconclusive regarding the impact of this variant on protein structure and function. To our knowledge, functional studies have not been reported for this variant. This variant has been reported in an individual affected with epithelial ovarian cancer (PMID: 34350294), and in a large breast cancer case-control study it was observed in 2/60466 cases and 2/53461 unaffected controls (PMID: 33471991). This variant has been identified in 3/250900 chromosomes in the general population by the Genome Aggregation Database (gnomAD). The available evidence is insufficient to determine the role of this variant in disease conclusively. Therefore, this variant is classified as a Variant of Uncertain Significance.

Ambry Genetics
Classification: Uncertain significance for Hereditary cancer-predisposing syndrome. Last evaluated: 2025-06-06. Review status: criteria provided, single submitter. Criteria: Ambry Variant Classification Scheme 2023. Collection method: clinical testing. Allele origin: germline.
Comment: The p.R151C variant (also known as c.451C>T), located in coding exon 5 of the PMS2 gene, results from a C to T substitution at nucleotide position 451. The arginine at codon 151 is replaced by cysteine, an amino acid with highly dissimilar properties. This amino acid position is highly conserved in available vertebrate species. In addition, this alteration is predicted to be deleterious by in silico analysis. Based on the available evidence, the clinical significance of this variant remains unclear.

All of Us Research Program, National Institutes of Health
Classification: Uncertain significance for Lynch syndrome. Last evaluated: 2023-11-02. Review status: criteria provided, single submitter. Criteria: ACMG Guidelines, 2015. Collection method: clinical testing. Allele origin: germline. Inheritance: Autosomal dominant inheritance. Observed: 3 variant alleles, 3 heterozygotes.
Comment: This missense variant replaces arginine with cysteine at codon 151 of the PMS2 protein. Computational prediction is inconclusive regarding the impact of this variant on protein structure and function (internally defined REVEL score threshold 0.5 < inconclusive < 0.7, PMID: 27666373). To our knowledge, functional studies have not been reported for this variant. This variant has been reported in an individual affected with epithelial ovarian cancer (PMID: 34350294), and in a large breast cancer case-control study it was observed in 2/60466 cases and 2/53461 unaffected controls (PMID: 33471991). This variant has been identified in 3/250900 chromosomes in the general population by the Genome Aggregation Database (gnomAD). The available evidence is insufficient to determine the role of this variant in disease conclusively. Therefore, this variant is classified as a Variant of Uncertain Significance.

This study involves interpretation of variants in research participants for the purpose of population health screening. Participant phenotype was not available at the time of variant classification. Additional details can be found in publication PMID: 35346344, PMCID: PMC8962531

PreventionGenetics, part of Exact Sciences
Classification: Uncertain significance for PMS2-related condition. Last evaluated: 2023-01-09. Review status: criteria provided, single submitter. Criteria: ACMG Guidelines, 2015. Collection method: clinical testing. Allele origin: germline.
Comment: The PMS2 c.451C>T variant is predicted to result in the amino acid substitution p.Arg151Cys. This variant has been reported in an individual with breast cancer and individual with epithelial ovarian cancer (Table S8, Li et al. 2019. PubMed ID: 29752822; Table S3, Wu et al. 2021. PubMed ID: 34350294). This variant is reported in 3 of ~251,000 alleles in gnomAD and interpreted as uncertain significance in ClinVar. At this time, the clinical significance of this variant is uncertain due to the absence of conclusive functional and genetic evidence.

Quest Diagnostics Nichols Institute San Juan Capistrano
Classification: Uncertain significance. Last evaluated: 2022-10-28. Review status: criteria provided, single submitter. Criteria: Quest Diagnostics criteria. Collection method: clinical testing. Allele origin: unknown.
Comment: The frequency of this variant in the general population, 0.000012 (3/250900 chromosomes), is uninformative in assessment of its pathogenicity. In the published literature, the variant has been reported in an individual with ovarian cancer that also had a pathogenic BRCA1 mutation (PMID: 34350294 (2021)). In a large breast cancer association study, the variant was reported in both affected and unaffected individuals (PMID: 33471991 (2021)). Analysis of this variant using bioinformatics tools for the prediction of the effect of amino acid changes on protein structure and function yielded predictions that this variant is damaging. Based on the available information, we are unable to determine the clinical significance of this variant.

Women's Health and Genetics/Laboratory Corporation of America, LabCorp
Classification: Uncertain significance. Last evaluated: 2022-08-17. Review status: criteria provided, single submitter. Criteria: LabCorp Variant Classification Summary - May 2015. Collection method: clinical testing. Allele origin: germline.
Comment: Variant summary: PMS2 c.451C>T (p.Arg151Cys) results in a non-conservative amino acid change located in the N-terminal domain (IPR002099) of the encoded protein sequence. Four of five in-silico tools predict a damaging effect of the variant on protein function. The variant allele was found at a frequency of 1.2e-05 in 250900 control chromosomes (gnomAD). The available data on variant occurrences in the general population are insufficient to allow any conclusion about variant significance. c.451C>T has been reported in the literature in an individual affected with ovarian cancer (Wu_2021), however this patient also carried a co-occurring (likely) pathogenic variant in BRCA1. This report does not provide unequivocal conclusions about association of the variant with Lynch Syndrome. To our knowledge, no experimental evidence demonstrating an impact on protein function has been reported. Five clinical diagnostic laboratories have submitted clinical-significance assessments for this variant to ClinVar after 2014 and all classified the variant as uncertain significance. Based on the evidence outlined above, the variant was classified as uncertain significance.

Sema4
Classification: Uncertain significance for Hereditary cancer-predisposing syndrome. Last evaluated: 2022-03-06. Review status: criteria provided, single submitter. Criteria: Sema4 Curation Guidelines. Collection method: curation. Allele origin: germline.
Comment: The PMS2 c.451C>T (p.R151C) variant has been reported in heterozygosity in at least two individuals with breast cancer and in two healthy controls (PMID: 33471991). This variant was observed in 2/30616 chromosomes in the South Asian population according to the Genome Aggregation Database (PMID: 32461654). The variant has been reported in ClinVar (Variation ID: 231932). Functional studies have not been performed, and in silico predictions of the variant's effect on protein function are inconclusive. The evidence is insufficient to meet ACMG/AMP criteria for classifying the variant as benign or pathogenic. Thus, the clinical significance of this variant is currently uncertain.

Mendelics
Classification: Uncertain significance for Lynch syndrome. Last evaluated: 2018-07-02. Review status: criteria provided, single submitter. Criteria: Mendelics Assertion Criteria 2017. Collection method: clinical testing. Allele origin: unknown.

Literature cited by the submitters: PubMed 34350294 (cited by 5 submitters); PubMed 35264596 (cited by Labcorp Genetics (formerly Invitae), Labcorp); PubMed 33471991 (cited by 4 submitters).

NM_000535.7(PMS2):c.451C>T (p.Arg151Cys)

Gene: PMS2 (PMS1 homolog 2, mismatch repair system component; minus strand). Cytogenetic location: 7p22.1.
Variant type: single nucleotide variant.
Coding change: c.451C>T on transcript NM_000535.7 (MANE Select); coding-DNA position 451, C replaced by T.
Protein change: p.Arg151Cys; replaces arginine 151 with cysteine.
Molecular consequence: missense variant. On other transcripts: 5 prime UTR variant (2), non-coding transcript variant (1).
Genome position (GRCh38, 1-based): chr7:6,002,539, G>A on the plus strand (C>T on the coding strand, the complement: PMS2 is on the minus strand). VCF-style: chr7-6002539-G-A. GRCh37 (hg19) VCF-style: chr7-6042170-G-A.
Other names: c.46C>T, p.Arg16Cys (NM_001322003.2, NM_001322004.2, NM_001322005.2 and 3 more transcripts); c.451C>T, p.Arg151Cys (NM_001322006.2, NM_001322014.2); c.133C>T, p.Arg45Cys (NM_001322007.2, NM_001322008.2); c.-434C>T (NM_001322011.2, NM_001322012.2); c.142C>T, p.Arg48Cys (NM_001322015.2); short protein forms R151C, R45C, R16C, R48C.
Identifiers: ClinVar variation 231932 (VCV000231932.26), dbSNP rs758561884, ClinGen allele CA049842.
Genomic context (GRCh38, chr7:6,002,539, plus strand): 5'-TATGGCGCACAGGTAGTGTGGAAAATAACTGCTGCACGCTGACTGTGGTCCCTCTGGGGC[G>A]GGGGTAGGGGGTTTTCTGGATAATTTTCCCATTGTGATCAAACATCAGTCGAGTTCCAAC-3'
Protein context (NP_000526.2, residues 141-161): GKIIQKTPYP[Arg151Cys]PRGTTVSVQQ